The following is an entry in ClinVar:

ClinVar aggregate classification (germline): Conflicting classifications of pathogenicity. Review status: criteria provided, conflicting classifications (1 of 4 stars). 2 submissions from 2 submitters: Uncertain significance (1); Likely benign (1). Last evaluated 2025-07-25.

Conditions:
Familial adenomatous polyposis 2. Also called: Adenomas, multiple colorectal; MUTYH Polyposis; COLORECTAL ADENOMATOUS POLYPOSIS, AUTOSOMAL RECESSIVE; ADENOMAS, MULTIPLE COLORECTAL, AUTOSOMAL RECESSIVE; FAP type 2; MUTYH-associated polyposis. Identifiers: Orphanet 220460, Orphanet 247798, MedGen C3272841, MONDO:0012041, OMIM 608456.
Hereditary cancer-predisposing syndrome. Also called: Neoplastic Syndromes, Hereditary; Hereditary Cancer Syndrome; Hereditary neoplastic syndrome; Tumor predisposition. Identifiers: Orphanet 140162, MedGen C0027672, MeSH D009386, MONDO:0015356.

Allele frequency attached by ClinVar (database versions not stated): gnomAD exomes below 0.00001; gnomAD 0.00001.
gnomAD v4.1: 3 of 1,614,080 alleles (0.00019%); highest among the groups gnomAD compares: South Asian, 0.0033%; no homozygotes.

Submissions (2):

Ambry Genetics
Classification: Likely benign for Hereditary cancer-predisposing syndrome. Last evaluated: 2025-07-25. Review status: criteria provided, single submitter. Criteria: Ambry Variant Classification Scheme 2023. Collection method: clinical testing. Allele origin: germline.

Labcorp Genetics (formerly Invitae), Labcorp
Classification: Uncertain significance for Familial adenomatous polyposis 2. Last evaluated: 2020-01-24. Review status: criteria provided, single submitter. Criteria: Invitae Variant Classification Sherloc (09022015). Collection method: clinical testing. Allele origin: germline.
Comment: This variant has not been reported in the literature in individuals with MUTYH-related conditions. This variant is not present in population databases (ExAC no frequency). This sequence change replaces alanine with proline at codon 40 of the MUTYH protein (p.Ala40Pro). The alanine residue is moderately conserved and there is a small physicochemical difference between alanine and proline. Algorithms developed to predict the effect of missense changes on protein structure and function output the following: SIFT: "Tolerated"; PolyPhen-2: "Benign"; Align-GVGD: "Class C0". The proline amino acid residue is found in multiple mammalian species, suggesting that this missense change does not adversely affect protein function. These predictions have not been confirmed by published functional studies and their clinical significance is uncertain. In summary, the available evidence is currently insufficient to determine the role of this variant in disease. Therefore, it has been classified as a Variant of Uncertain Significance.

NM_001048174.2(MUTYH):c.76G>C (p.Ala26Pro)

Gene: MUTYH (mutY DNA glycosylase; minus strand). Cytogenetic location: 1p34.1.
Variant type: single nucleotide variant.
Coding change: c.76G>C on transcript NM_001048174.2 (MANE Select); coding-DNA position 76, G replaced by C.
Protein change: p.Ala26Pro; replaces alanine 26 with proline.
Molecular consequence: missense variant. On other transcripts: 5 prime UTR variant (4), non-coding transcript variant (2).
Genome position (GRCh38, 1-based): chr1:45,334,430, C>G on the plus strand (G>C on the coding strand, the complement: MUTYH is on the minus strand). VCF-style: chr1-45334430-C-G. GRCh37 (hg19) VCF-style: chr1-45800102-C-G.
Other names: c.76G>C, p.Ala26Pro (NM_001048172.2, NM_001048173.2, NM_001293191.2 and 2 more transcripts); c.118G>C, p.Ala40Pro (NM_001128425.2, NM_001293190.2, NM_012222.3); c.-137G>C (NM_001293192.2, NM_001293196.2); c.-196G>C (NM_001350650.2); c.-132G>C (NM_001350651.2); c.118G>C (NM_001128425.1); short protein forms A26P, A40P.
Identifiers: ClinVar variation 1051370 (VCV001051370.10), dbSNP rs1432929984, ClinGen allele CA340137069.